The following is an entry in ClinVar:

NM_001184.4(ATR):c.4357A>G (p.Ile1453Val)

Gene: ATR (ATR checkpoint kinase; minus strand). Cytogenetic location: 3q23.
Variant type: single nucleotide variant.
Coding change: c.4357A>G on transcript NM_001184.4 (MANE Select); coding-DNA position 4357, A replaced by G.
Protein change: p.Ile1453Val; replaces isoleucine 1453 with valine.
Molecular consequence: missense variant.
Genome position (GRCh38, 1-based): chr3:142,519,694, T>C on the plus strand (A>G on the coding strand, the complement: ATR is on the minus strand). VCF-style: chr3-142519694-T-C. GRCh37 (hg19) VCF-style: chr3-142238536-T-C.
Other names: c.4165A>G, p.Ile1389Val (NM_001354579.2); short protein forms I1453V, I1389V.
Identifiers: ClinVar variation 1739964 (VCV001739964.2), dbSNP rs1304953356, ClinGen allele CA354800149.
Genomic context (GRCh38, chr3:142,519,694, plus strand): 5'-AATTTTATGAAAATACATTAAATAAGCCTACATACCTGGTATTTAGATGAGGTTCTAGTA[T>C]TTCCCGAACATGCTCAGGAAATCTCCTCCACAATTGGTGACCTGGGCCGTTGGTCTCCAT-3'
Protein context (NP_001175.2, residues 1443-1463): WRRFPEHVRE[Ile1453Val]LEPHLNTRYK

ClinVar aggregate classification (germline): Uncertain significance (1 of 4 stars; one submission).

Conditions:
Inborn genetic diseases. Identifiers: MedGen C0950123, MeSH D030342.

Allele frequency attached by ClinVar (database versions not stated): gnomAD exomes below 0.00001.
gnomAD v4.1: 2 of 1,613,506 alleles (0.00012%); highest among the groups gnomAD compares: Non-Finnish European, 0.00017%; no homozygotes.

Submission:

Ambry Genetics
Classification: Uncertain significance for Inborn genetic diseases. Last evaluated: 2021-06-15. Review status: criteria provided, single submitter. Criteria: Ambry Variant Classification Scheme 2023. Collection method: clinical testing. Allele origin: germline.
Comment: The p.I1453V variant (also known as c.4357A>G), located in coding exon 24 of the ATR gene, results from an A to G substitution at nucleotide position 4357. The isoleucine at codon 1453 is replaced by valine, an amino acid with highly similar properties. This amino acid position is conserved. In addition, this alteration is predicted to be tolerated by in silico analysis. Since supporting evidence is limited at this time, the clinical significance of this alteration remains unclear.